The following is an entry in ClinVar:

NM_001106.4(ACVR2B):c.*2425G>A

Gene: ACVR2B (activin A receptor type 2B; plus strand). Cytogenetic location: 3p22.2.
Variant type: single nucleotide variant.
Coding change: c.*2425G>A on transcript NM_001106.4 (MANE Select); 2425 bases downstream of the stop codon, G replaced by A.
Molecular consequence: 3 prime UTR variant.
Genome position (GRCh38, 1-based): chr3:38,485,757, G>A. VCF-style: chr3-38485757-G-A. GRCh37 (hg19) VCF-style: chr3-38527248-G-A.
Identifiers: ClinVar variation 344968 (VCV000344968.5), dbSNP rs76799785, ClinGen allele CA10618220.

ClinVar aggregate classification (germline): Benign (1 of 4 stars; one submission).

Conditions:
Heterotaxy, visceral, 4, autosomal (HTX4). Identifiers: Orphanet 450, MedGen C3151057, MONDO:0013403, OMIM 613751.

Allele frequency attached by ClinVar (database versions not stated): gnomAD 0.03292 and 0.03558; 1000 Genomes Project 0.03315; 1000 Genomes Project 30x 0.03529; TOPMed 0.03905.

Submission:

Illumina Laboratory Services, Illumina
Classification: Benign for Heterotaxy, visceral, 4, autosomal. Last evaluated: 2018-01-13. Review status: criteria provided, single submitter. Criteria: ICSL Variant Classification Criteria 13 December 2019. Collection method: clinical testing. Allele origin: germline.
Comment: This variant was observed in the ICSL laboratory as part of a predisposition screen in an ostensibly healthy population. It had not been previously curated by ICSL or reported in the Human Gene Mutation Database (HGMD: prior to June 1st, 2018), and was therefore a candidate for classification through an automated scoring system. Utilizing variant allele frequency, disease prevalence and penetrance estimates, and inheritance mode, an automated score was calculated to assess if this variant is too frequent to cause the disease. Based on the score and internal cut-off values, a variant classified as benign is not then subjected to further curation. The score for this variant resulted in a classification of benign for this disease.